The following is an entry in ClinVar:

NM_015895.5(GMNN):c.232C>A (p.Leu78Ile)

Gene: GMNN (geminin DNA replication inhibitor; plus strand). Cytogenetic location: 6p22.3.
Variant type: single nucleotide variant.
Coding change: c.232C>A on transcript NM_015895.5 (MANE Select); coding-DNA position 232, C replaced by A.
Protein change: p.Leu78Ile; replaces leucine 78 with isoleucine.
Molecular consequence: missense variant.
Genome position (GRCh38, 1-based): chr6:24,781,579, C>A. VCF-style: chr6-24781579-C-A. GRCh37 (hg19) VCF-style: chr6-24781807-C-A.
Other names: c.232C>A, p.Leu78Ile (NM_001251989.2, NM_001251990.2, NM_001251991.1); short protein forms L78I.
Identifiers: ClinVar variation 2994466 (VCV002994466.3), dbSNP rs757821319, ClinGen allele CA3658853.

ClinVar aggregate classification (germline): Uncertain significance (1 of 4 stars; one submission).

Allele frequency attached by ClinVar (database versions not stated): ExAC 0.00001; gnomAD 0.00001.

Submission:

Labcorp Genetics (formerly Invitae), Labcorp
Classification: Uncertain significance. Last evaluated: 2024-10-15. Review status: criteria provided, single submitter. Criteria: Invitae Variant Classification Sherloc (09022015). Collection method: clinical testing. Allele origin: germline.
Comment: This sequence change replaces leucine, which is neutral and non-polar, with isoleucine, which is neutral and non-polar, at codon 78 of the GMNN protein (p.Leu78Ile). The frequency data for this variant in the population databases is considered unreliable, as metrics indicate poor data quality at this position in the gnomAD database. This variant has not been reported in the literature in individuals affected with GMNN-related conditions. An algorithm developed to predict the effect of missense changes on protein structure and function (PolyPhen-2) suggests that this variant is likely to be tolerated. In summary, the available evidence is currently insufficient to determine the role of this variant in disease. Therefore, it has been classified as a Variant of Uncertain Significance.